The following is an entry in ClinVar:

ClinVar aggregate classification (germline): Likely pathogenic (1 of 4 stars; one submission).

Conditions:
Inborn genetic diseases. Identifiers: MedGen C0950123, MeSH D030342.

Submission:

Ambry Genetics
Classification: Likely pathogenic for Inborn genetic diseases. Last evaluated: 2025-11-14. Review status: criteria provided, single submitter. Criteria: Ambry Variant Classification Scheme 2023. Collection method: clinical testing. Allele origin: germline.
Comment: The c.1419+1G>T intronic variant consists of a G to T substitution one nucleotide after exon 8 (coding exon 7) of the GATAD2B gene. Alterations that disrupt the canonical splice site are expected to cause aberrant splicing, resulting in an abnormal protein or a transcript that is subject to nonsense-mediated mRNA decay. This variant was not reported in population-based cohorts in the Genome Aggregation Database (gnomAD). Other variant(s) impacting the same donor site (c.1419+1G>A, c.1419+2T>A) have been identified in individual(s) with features consistent with GATAD2B-related neurodevelopmental disorder (Shieh, 2020; Zacher, 2021). This nucleotide position is highly conserved in available vertebrate species. In silico splice site analysis predicts that this alteration will weaken the native splice donor site. Based on the available evidence, this alteration is classified as likely pathogenic.

Literature cited by the submitters: PubMed 31949314; PubMed 33911214.

NM_020699.4(GATAD2B):c.1419+1G>T

Gene: GATAD2B (GATA zinc finger domain containing 2B; minus strand). Cytogenetic location: 1q21.3.
Variant type: single nucleotide variant.
Coding change: c.1419+1G>T on transcript NM_020699.4 (MANE Select); the canonical splice donor site of the intron after coding-DNA position 1419, G replaced by T.
Molecular consequence: splice donor variant.
Genome position (GRCh38, 1-based): chr1:153,813,249, C>A on the plus strand (G>T on the coding strand, the complement: GATAD2B is on the minus strand). VCF-style: chr1-153813249-C-A. GRCh37 (hg19) VCF-style: chr1-153785725-C-A.
Identifiers: ClinVar variation 4620661 (VCV004620661.1).
Genomic context (GRCh38, chr1:153,813,249, plus strand): 5'-GCGCGACCCTTTGGAAAAAACAAACTGGGACAGGTGGCCAGTGAGCAGTCAGAATTCTTA[C>A]CTGTTCCTGCTGTAGGGCTTTCACAAATGCATTTTTCAGCCGGTTGGTGTGTTCAGCTTT-3'